The following is an entry in ClinVar:

ClinVar aggregate classification (germline): Pathogenic (0 of 4 stars; one submission).

Conditions:
X-linked Opitz G/BBB syndrome (GBBB). Also called: OPITZ BBBG SYNDROME, TYPE I; OPITZ SYNDROME, X-LINKED; OPITZ-G SYNDROME, TYPE I; MID1-Related Opitz G/BBB Syndrome; Opitz-Frias syndrome. Identifiers: Orphanet 2745, MedGen C2936904, MONDO:0010222, OMIM 300000.

Submission:

The Raphael Recanati Genetics Institute, Rabin Medical Center
Classification: Pathogenic for X-linked Opitz G/BBB syndrome. Last evaluated: 2018-09-13. Review status: no assertion criteria provided. Collection method: clinical testing. Allele origin: de novo. Affected: yes. Observed: 1 variant allele.
Comment: X-linked de novo

NM_000381.4(MID1):c.1917del (p.Thr640fs)

Genes: MID1 (midline 1; minus strand), LOC126863207 (BRD4-independent group 4 enhancer GRCh37_chrX:10416979-10418178; plus strand). Cytogenetic location: Xp22.2.
Variant type: Deletion.
Coding change: c.1917del on transcript NM_000381.4 (MANE Select); coding-DNA position 1917, one base deleted (C; older notation c.1917delC).
Protein change: p.Thr640fs; shifts the reading frame from threonine 640.
Molecular consequence: frameshift variant.
Genome position (GRCh38, 1-based): chrX:10,449,455, G deleted on the plus strand (C on the coding strand, the reverse complement: MID1 is on the minus strand); the first of 4 consecutive G bases (chrX:10,449,455-10,449,458); deleting any one gives the same sequence. VCF-style (leftmost placement, unchanged base first): chrX-10449454-TG-T. GRCh37 (hg19) VCF-style: chrX-10417494-TG-T.
Other names: c.1917del, p.Thr640fs (NM_001098624.2, NM_001193277.1, NM_001347733.2 and 1 more transcripts); c.1803del, p.Thr602fs (NM_033289.2); c.1917delC (NM_000381.3); short protein forms T602fs, T640fs.
Identifiers: ClinVar variation 617627 (VCV000617627.2), dbSNP rs1569265497, ClinGen allele CA913190750.